The following is an entry in ClinVar:

ClinVar aggregate classification (germline): Likely pathogenic (1 of 4 stars; one submission).

Conditions:
Fanconi anemia complementation group G. Also called: FANCG-Related Fanconi Anemia; Fanconi anemia group G. Identifiers: Orphanet 84, MedGen C3469527, MONDO:0013565, OMIM 614082.

Submission:

Natera, Inc.
Classification: Likely pathogenic for Fanconi anemia group G. Last evaluated: 2025-08-22. Review status: criteria provided, single submitter. Criteria: Natera Variant Classification Schema (03/2026). Collection method: clinical testing. Allele origin: germline.
Comment: The c.1026delinsATA variant in FANCG is a frameshift variant predicted to shift the reading frame beginning at codon 343 and leads to a stop codon 9 codons downstream. This variant is expected to result in nonsense mediated decay, truncation, or a dysfunctional protein product. This variant is rare in the general population with a frequency below the threshold expected for the associated phenotype(s). Given the available evidence, this variant is classified as Likely Pathogenic.

NM_004629.2(FANCG):c.1026delinsATA (p.Gln343fs)

Gene: FANCG (FA complementation group G; minus strand). Cytogenetic location: 9p13.3.
Variant type: Indel.
Coding change: c.1026delinsATA on transcript NM_004629.2 (MANE Select); coding-DNA position 1026, T replaced by ATA.
Protein change: p.Gln343fs; shifts the reading frame from glutamine 343.
Molecular consequence: frameshift variant.
Genome position (GRCh38, 1-based): chr9:35,076,482, A replaced by TAT on the plus strand (T replaced by ATA on the coding strand, the reverse complement: FANCG is on the minus strand). VCF-style: chr9-35076482-A-TAT. GRCh37 (hg19) VCF-style: chr9-35076479-A-TAT.
Other names: c.1026delTinsATA, p.Gln343Tyrfs (NM_004629.1); short protein forms Q343fs.
Identifiers: ClinVar variation 4815360 (VCV004815360.1).